The following is an entry in ClinVar:

ClinVar aggregate classification (germline): Uncertain significance (1 of 4 stars; one submission).

Submission:

Ambry Genetics
Classification: Uncertain significance. Last evaluated: 2024-03-25. Review status: criteria provided, single submitter. Criteria: Ambry Variant Classification Scheme 2023. Collection method: clinical testing. Allele origin: germline.
Comment: The p.M177T variant (also known as c.530T>C), located in coding exon 5 of the RECQL gene, results from a T to C substitution at nucleotide position 530. The methionine at codon 177 is replaced by threonine, an amino acid with similar properties. This amino acid position is conserved. In addition, the in silico prediction for this alteration is inconclusive. Based on the available evidence, the clinical significance of this alteration remains unclear.

NM_002907.4(RECQL):c.530T>C (p.Met177Thr)

Gene: RECQL (RecQ like helicase; minus strand). Cytogenetic location: 12p12.1.
Variant type: single nucleotide variant.
Coding change: c.530T>C on transcript NM_002907.4 (MANE Select); coding-DNA position 530, T replaced by C.
Protein change: p.Met177Thr; replaces methionine 177 with threonine.
Molecular consequence: missense variant.
Genome position (GRCh38, 1-based): chr12:21,483,546, A>G on the plus strand (T>C on the coding strand, the complement: RECQL is on the minus strand). VCF-style: chr12-21483546-A-G. GRCh37 (hg19) VCF-style: chr12-21636480-A-G.
Other names: c.530T>C, p.Met177Thr (NM_032941.3); short protein forms M177T.
Identifiers: ClinVar variation 3313494 (VCV003313494.1).